The following is an entry in ClinVar:

NM_181882.3(PRX):c.1955T>C (p.Val652Ala)

Gene: PRX (periaxin; minus strand). Cytogenetic location: 19q13.2.
Variant type: single nucleotide variant.
Coding change: c.1955T>C on transcript NM_181882.3 (MANE Select); coding-DNA position 1955, T replaced by C.
Protein change: p.Val652Ala; replaces valine 652 with alanine.
Molecular consequence: missense variant. On other transcripts: 3 prime UTR variant (1).
Genome position (GRCh38, 1-based): chr19:40,396,397, A>G on the plus strand (T>C on the coding strand, the complement: PRX is on the minus strand). VCF-style: chr19-40396397-A-G. GRCh37 (hg19) VCF-style: chr19-40902304-A-G.
Other names: c.1955T>C (NM_181882.2); c.*2160T>C (NM_020956.2); short protein forms V652A.
Identifiers: ClinVar variation 1496659 (VCV001496659.7), dbSNP rs963617308, ClinGen allele CA308419920.

ClinVar aggregate classification (germline): Uncertain significance. Review status: criteria provided, multiple submitters, no conflicts (2 of 4 stars). 2 submissions from 2 submitters: Uncertain significance (2). Last evaluated 2026-07-02.

Conditions:
Charcot-Marie-Tooth disease type 4. Also called: Charcot-Marie-Tooth disease, type IV; Charcot-Marie-Tooth, Type 4. Identifiers: Orphanet 64749, MedGen C4082197, MONDO:0018995.
Inborn genetic diseases. Identifiers: MedGen C0950123, MeSH D030342.

Allele frequency attached by ClinVar (database versions not stated): gnomAD exomes below 0.00001.
gnomAD v4.1: 6 of 1,613,788 alleles (0.00037%); highest among the groups gnomAD compares: Non-Finnish European, 0.00051%; no homozygotes.

Submissions (2):

Ambry Genetics
Classification: Uncertain significance for Inborn genetic diseases. Last evaluated: 2026-07-02. Review status: criteria provided, single submitter. Criteria: Ambry Variant Classification Scheme 2023. Collection method: clinical testing. Allele origin: germline.

Labcorp Genetics (formerly Invitae), Labcorp
Classification: Uncertain significance for Charcot-Marie-Tooth disease type 4. Last evaluated: 2021-09-28. Review status: criteria provided, single submitter. Criteria: Invitae Variant Classification Sherloc (09022015). Collection method: clinical testing. Allele origin: germline.
Comment: In summary, the available evidence is currently insufficient to determine the role of this variant in disease. Therefore, it has been classified as a Variant of Uncertain Significance. Algorithms developed to predict the effect of missense changes on protein structure and function are either unavailable or do not agree on the potential impact of this missense change (SIFT: "Deleterious"; PolyPhen-2: "Benign"; Align-GVGD: "Class C0"). This variant has not been reported in the literature in individuals affected with PRX-related conditions. This variant is not present in population databases (ExAC no frequency). This sequence change replaces valine with alanine at codon 652 of the PRX protein (p.Val652Ala). The valine residue is weakly conserved and there is a small physicochemical difference between valine and alanine.